The following is an entry in ClinVar:

NM_015450.3(POT1):c.1258G>C (p.Asp420His)

Gene: POT1 (protection of telomeres 1; minus strand). Cytogenetic location: 7q31.33.
Variant type: single nucleotide variant.
Coding change: c.1258G>C on transcript NM_015450.3 (MANE Select); coding-DNA position 1258, G replaced by C.
Protein change: p.Asp420His; replaces aspartic acid 420 with histidine.
Molecular consequence: missense variant. On other transcripts: non-coding transcript variant (3).
Genome position (GRCh38, 1-based): chr7:124,841,084, C>G on the plus strand (G>C on the coding strand, the complement: POT1 is on the minus strand). VCF-style: chr7-124841084-C-G. GRCh37 (hg19) VCF-style: chr7-124481138-C-G.
Other names: c.865G>C, p.Asp289His (NM_001042594.2); short protein forms D420H, D289H.
Identifiers: ClinVar variation 4742262 (VCV004742262.1).
Genomic context (GRCh38, chr7:124,841,084, plus strand): 5'-TCACAAAATGAACTGCTACTTTTCGTCCTTTTTGATTTTTAGTGGTCCAGATTTTTGAAT[C>G]ATATAATGATGTATTTTGTAGCTTGACATCTGGGGTTTTAGTTGCACCATCCTGAAAAAT-3'
Protein context (NP_056265.2, residues 410-430): DVKLQNTSLY[Asp420His]SKIWTTKNQK

ClinVar aggregate classification (germline): Uncertain significance (1 of 4 stars; one submission).

Conditions:
Tumor predisposition syndrome 3 (TPDS3). Also called: Melanoma, cutaneous malignant, susceptibility to, 10; Glioma susceptibility 9; LONG TELOMERE SYNDROME, POT1-RELATED; POT1 Tumor Predisposition. Identifiers: Orphanet 618, MedGen C4014476, MONDO:0014368, OMIM 615848.

Submission:

Labcorp Genetics (formerly Invitae), Labcorp
Classification: Uncertain significance for Tumor predisposition syndrome 3. Last evaluated: 2025-08-02. Review status: criteria provided, single submitter. Criteria: Invitae Variant Classification Sherloc (09022015). Collection method: clinical testing. Allele origin: germline.
Comment: This sequence change replaces aspartic acid, which is acidic and polar, with histidine, which is basic and polar, at codon 420 of the POT1 protein (p.Asp420His). This variant is not present in population databases (gnomAD no frequency). This variant has not been reported in the literature in individuals affected with POT1-related conditions. Invitae Evidence Modeling of protein sequence and biophysical properties (such as structural, functional, and spatial information, amino acid conservation, physicochemical variation, residue mobility, and thermodynamic stability) indicates that this missense variant is not expected to disrupt POT1 protein function with a negative predictive value of 80%. In summary, the available evidence is currently insufficient to determine the role of this variant in disease. Therefore, it has been classified as a Variant of Uncertain Significance.